The following is an entry in ClinVar:

ClinVar aggregate classification (germline): Uncertain significance. Review status: criteria provided, multiple submitters, no conflicts (2 of 4 stars). 3 submissions from 3 submitters: Uncertain significance (3). Last evaluated 2025-10-16.

Conditions:
Hereditary cancer-predisposing syndrome. Also called: Hereditary neoplastic syndrome; Neoplastic Syndromes, Hereditary; Tumor predisposition; Hereditary Cancer Syndrome. Identifiers: Orphanet 140162, MedGen C0027672, MeSH D009386, MONDO:0015356.
Gorlin syndrome. Also called: Nevoid Basal Cell Carcinoma Syndrome; Basal cell nevus syndrome. Identifiers: Orphanet 377, MedGen C0004779, MONDO:0007187.

Allele frequency attached by ClinVar (database versions not stated): gnomAD exomes below 0.00001; gnomAD 0.00001.
gnomAD v4.1: 7 of 1,613,984 alleles (0.00043%); highest among the groups gnomAD compares: Non-Finnish European, 0.00051%; no homozygotes.

Submissions (3):

Ambry Genetics
Classification: Uncertain significance for Hereditary cancer-predisposing syndrome. Last evaluated: 2025-10-16. Review status: criteria provided, single submitter. Criteria: Ambry Variant Classification Scheme 2023. Collection method: clinical testing. Allele origin: germline.
Comment: The p.I1148T variant (also known as c.3443T>C), located in coding exon 20 of the PTCH1 gene, results from a T to C substitution at nucleotide position 3443. The isoleucine at codon 1148 is replaced by threonine, an amino acid with similar properties. This amino acid position is highly conserved in available vertebrate species. In addition, this alteration is predicted to be deleterious by in silico analysis. Since supporting evidence is limited at this time, the clinical significance of this alteration remains unclear.

Center for Genomic Medicine, Rigshospitalet, Copenhagen University Hospital
Classification: Uncertain significance. Last evaluated: 2025-03-04. Review status: criteria provided, single submitter. Criteria: ACMG Guidelines, 2015. Collection method: clinical testing. Allele origin: germline.

Labcorp Genetics (formerly Invitae), Labcorp
Classification: Uncertain significance for Gorlin syndrome. Last evaluated: 2024-12-22. Review status: criteria provided, single submitter. Criteria: Invitae Variant Classification Sherloc (09022015). Collection method: clinical testing. Allele origin: germline.
Comment: This sequence change replaces isoleucine, which is neutral and non-polar, with threonine, which is neutral and polar, at codon 1148 of the PTCH1 protein (p.Ile1148Thr). This variant is not present in population databases (gnomAD no frequency). This variant has not been reported in the literature in individuals affected with PTCH1-related conditions. ClinVar contains an entry for this variant (Variation ID: 1040725). Invitae Evidence Modeling of protein sequence and biophysical properties (such as structural, functional, and spatial information, amino acid conservation, physicochemical variation, residue mobility, and thermodynamic stability) has been performed for this missense variant. However, the output from this modeling did not meet the statistical confidence thresholds required to predict the impact of this variant on PTCH1 protein function. In summary, the available evidence is currently insufficient to determine the role of this variant in disease. Therefore, it has been classified as a Variant of Uncertain Significance.

NM_000264.5(PTCH1):c.3443T>C (p.Ile1148Thr)

Gene: PTCH1 (patched 1; minus strand). Cytogenetic location: 9q22.32.
Variant type: single nucleotide variant.
Coding change: c.3443T>C on transcript NM_000264.5 (MANE Select); coding-DNA position 3443, T replaced by C.
Protein change: p.Ile1148Thr; replaces isoleucine 1148 with threonine.
Molecular consequence: missense variant. On other transcripts: non-coding transcript variant (1).
Genome position (GRCh38, 1-based): chr9:95,453,484, A>G on the plus strand (T>C on the coding strand, the complement: PTCH1 is on the minus strand). VCF-style: chr9-95453484-A-G. GRCh37 (hg19) VCF-style: chr9-98215766-A-G.
Other names: c.3245T>C, p.Ile1082Thr (NM_001083602.3); c.3440T>C, p.Ile1147Thr (NM_001083603.3); c.2990T>C, p.Ile997Thr (NM_001083604.3, NM_001083605.3, NM_001083606.3 and 1 more transcripts); c.3287T>C, p.Ile1096Thr (NM_001354918.2); short protein forms I1082T, I997T, I1147T, I1096T, I1148T.
Identifiers: ClinVar variation 1040725 (VCV001040725.14), dbSNP rs1838650766, ClinGen allele CA374111658.